The following is an entry in ClinVar:

ClinVar aggregate classification (germline): Uncertain significance. Review status: criteria provided, multiple submitters, no conflicts (2 of 4 stars). 4 submissions from 4 submitters: Uncertain significance (3). 1 of the submissions does not count toward it. Last evaluated 2024-10-17.

Conditions:
Fanconi anemia complementation group A (FANCA). Also called: FANCA-Related Fanconi Anemia; Fanconi anemia, group A. Identifiers: Orphanet 84, MedGen C3469521, MONDO:0009215, OMIM 227650.
Inborn genetic diseases. Identifiers: MedGen C0950123, MeSH D030342.
Fanconi anemia (FA). Also called: Fanconi's anemia. Identifiers: Orphanet 84, MedGen C0015625, MeSH D005199, MONDO:0019391.

Allele frequency attached by ClinVar (database versions not stated): gnomAD exomes below 0.00001 and 0.00001; TOPMed below 0.00001; gnomAD 0.00001.
gnomAD v4.1: 3 of 1,561,062 alleles (0.00019%); highest among the groups gnomAD compares: African/African-American, 0.0041%; no homozygotes.

Submissions (4):

Ambry Genetics
Classification: Uncertain significance for Inborn genetic diseases. Last evaluated: 2024-10-17. Review status: criteria provided, single submitter. Criteria: Ambry Variant Classification Scheme 2023. Collection method: clinical testing. Allele origin: germline.
Comment: The p.A1125T variant (also known as c.3373G>A), located in coding exon 34 of the FANCA gene, results from a G to A substitution at nucleotide position 3373. The alanine at codon 1125 is replaced by threonine, an amino acid with similar properties. This amino acid position is conserved. In addition, this alteration is predicted to be tolerated by in silico analysis. Based on the available evidence, the clinical significance of this variant remains unclear.

Labcorp Genetics (formerly Invitae), Labcorp
Classification: Uncertain significance for Fanconi anemia. Last evaluated: 2023-01-20. Review status: criteria provided, single submitter. Criteria: Invitae Variant Classification Sherloc (09022015). Collection method: clinical testing. Allele origin: germline.
Comment: This variant has not been reported in the literature in individuals affected with FANCA-related conditions. ClinVar contains an entry for this variant (Variation ID: 1008851). Advanced modeling of protein sequence and biophysical properties (such as structural, functional, and spatial information, amino acid conservation, physicochemical variation, residue mobility, and thermodynamic stability) performed at Invitae indicates that this missense variant is not expected to disrupt FANCA protein function. In summary, the available evidence is currently insufficient to determine the role of this variant in disease. Therefore, it has been classified as a Variant of Uncertain Significance. The frequency data for this variant in the population databases is considered unreliable, as metrics indicate poor data quality at this position in the gnomAD database. This sequence change replaces alanine, which is neutral and non-polar, with threonine, which is neutral and polar, at codon 1125 of the FANCA protein (p.Ala1125Thr).

Fulgent Genetics
Classification: Uncertain significance for Fanconi anemia complementation group A. Last evaluated: 2022-01-18. Review status: criteria provided, single submitter. Criteria: ACMG Guidelines, 2015. Collection method: clinical testing. Allele origin: unknown.

Natera, Inc.
Classification: Uncertain significance for Fanconi anemia. Last evaluated: 2021-05-10. Review status: no assertion criteria provided. Collection method: clinical testing. Allele origin: germline. Not counted in ClinVar's aggregate classification.

NM_000135.4(FANCA):c.3373G>A (p.Ala1125Thr)

Genes: FANCA (FA complementation group A; minus strand), LOC132090450 (Neanderthal introgressed variant-containing enhancer experimental_46718; plus strand). Cytogenetic location: 16q24.3.
Variant type: single nucleotide variant.
Coding change: c.3373G>A on transcript NM_000135.4 (MANE Select); coding-DNA position 3373, G replaced by A.
Protein change: p.Ala1125Thr; replaces alanine 1125 with threonine.
Molecular consequence: missense variant.
Genome position (GRCh38, 1-based): chr16:89,746,866, C>T on the plus strand (G>A on the coding strand, the complement: FANCA is on the minus strand). VCF-style: chr16-89746866-C-T. GRCh37 (hg19) VCF-style: chr16-89813274-C-T.
Other names: c.3373G>A, p.Ala1125Thr (NM_001286167.3); c.3373G>A (NM_000135.2); short protein forms A1125T.
Identifiers: ClinVar variation 1008851 (VCV001008851.13), dbSNP rs1162813981, ClinGen allele CA397486112.